The following is an entry in ClinVar:

NM_000541.5(SAG):c.719A>G (p.Lys240Arg)

Gene: SAG (S-antigen visual arrestin; plus strand). Cytogenetic location: 2q37.1.
Variant type: single nucleotide variant.
Coding change: c.719A>G on transcript NM_000541.5 (MANE Select); coding-DNA position 719, A replaced by G.
Protein change: p.Lys240Arg; replaces lysine 240 with arginine.
Molecular consequence: missense variant.
Genome position (GRCh38, 1-based): chr2:233,329,563, A>G. VCF-style: chr2-233329563-A-G. GRCh37 (hg19) VCF-style: chr2-234238209-A-G.
Other names: short protein forms K240R.
Identifiers: ClinVar variation 2989814 (VCV002989814.3), dbSNP rs1016270654, ClinGen allele CA67548898.

ClinVar aggregate classification (germline): Uncertain significance (1 of 4 stars; one submission).

Allele frequency attached by ClinVar (database versions not stated): gnomAD 0.00001; gnomAD exomes 0.00001; TOPMed 0.00001.
gnomAD v4.1: 4 of 1,609,518 alleles (0.00025%); highest among the groups gnomAD compares: Non-Finnish European, 0.00034%; no homozygotes.

Submission:

Labcorp Genetics (formerly Invitae), Labcorp
Classification: Uncertain significance. Last evaluated: 2023-04-18. Review status: criteria provided, single submitter. Criteria: Invitae Variant Classification Sherloc (09022015). Collection method: clinical testing. Allele origin: germline.
Comment: In summary, the available evidence is currently insufficient to determine the role of this variant in disease. Therefore, it has been classified as a Variant of Uncertain Significance. Advanced modeling of protein sequence and biophysical properties (such as structural, functional, and spatial information, amino acid conservation, physicochemical variation, residue mobility, and thermodynamic stability) performed at Invitae indicates that this missense variant is not expected to disrupt SAG protein function. This variant has not been reported in the literature in individuals affected with SAG-related conditions. This variant is present in population databases (no rsID available, gnomAD 0.0009%). This sequence change replaces lysine, which is basic and polar, with arginine, which is basic and polar, at codon 240 of the SAG protein (p.Lys240Arg).